The following is an entry in ClinVar:

NM_001322934.2(NFKB2):c.2050A>C (p.Thr684Pro)

Gene: NFKB2 (nuclear factor kappa B subunit 2; plus strand). Cytogenetic location: 10q24.32.
Variant type: single nucleotide variant.
Coding change: c.2050A>C on transcript NM_001322934.2 (MANE Select); coding-DNA position 2050, A replaced by C.
Protein change: p.Thr684Pro; replaces threonine 684 with proline.
Molecular consequence: missense variant.
Genome position (GRCh38, 1-based): chr10:102,401,028, A>C. VCF-style: chr10-102401028-A-C. GRCh37 (hg19) VCF-style: chr10-104160785-A-C.
Other names: c.2050A>C, p.Thr684Pro (NM_001077494.3, NM_001261403.3, NM_001288724.1 and 1 more transcripts); c.1924A>C, p.Thr642Pro (NM_001322935.1); short protein forms T642P, T684P.
Identifiers: ClinVar variation 1313472 (VCV001313472.9), dbSNP rs2135439371, ClinGen allele CA377903986.
Genomic context (GRCh38, chr10:102,401,028, plus strand): 5'-CGCACCTTTGCGGGAAACACACCCCTGCACCTGGCAGCTGGACTGGGGTACCCGACCCTC[A>C]CCCGCCTCCTTCTGAAGGCTGGTCAGTCTCACCCTCAGGGGCACTTGAACAGGGTGGGGG-3'
Protein context (NP_001309863.1, residues 674-694): LAAGLGYPTL[Thr684Pro]RLLLKAGADI

ClinVar aggregate classification (germline): Uncertain significance. Review status: criteria provided, multiple submitters, no conflicts (2 of 4 stars). 2 submissions from 2 submitters: Uncertain significance (2). Last evaluated 2021-06-06.

Conditions:
Immunodeficiency, common variable, 10. Also called: DEFICIT IN ANTERIOR PITUITARY FUNCTION AND VARIABLE IMMUNODEFICIENCY; IMMUNODEFICIENCY, COMMON VARIABLE, WITH CENTRAL ADRENAL INSUFFICIENCY. Identifiers: MedGen C3809991, MONDO:0014260, OMIM 615577.

Submissions (2):

Labcorp Genetics (formerly Invitae), Labcorp
Classification: Uncertain significance for Immunodeficiency, common variable, 10. Last evaluated: 2021-06-06. Review status: criteria provided, single submitter. Criteria: Invitae Variant Classification Sherloc (09022015). Collection method: clinical testing. Allele origin: germline.
Comment: This sequence change replaces threonine with proline at codon 684 of the NFKB2 protein (p.Thr684Pro). The threonine residue is moderately conserved and there is a small physicochemical difference between threonine and proline. This variant is not present in population databases (ExAC no frequency). This variant has not been reported in the literature in individuals with NFKB2-related conditions. Algorithms developed to predict the effect of missense changes on protein structure and function are either unavailable or do not agree on the potential impact of this missense change (SIFT: "Tolerated"; PolyPhen-2: "Probably Damaging"; Align-GVGD: "Class C0"). In summary, the available evidence is currently insufficient to determine the role of this variant in disease. Therefore, it has been classified as a Variant of Uncertain Significance.

GeneDx
Classification: Uncertain significance. Last evaluated: 2020-10-27. Review status: criteria provided, single submitter. Criteria: GeneDx Variant Classification Process June 2021. Collection method: clinical testing. Allele origin: germline. Affected: yes.
Comment: Not observed in large population cohorts (Lek et al., 2016); In silico analysis supports that this missense variant does not alter protein structure/function; Has not been previously published as pathogenic or benign to our knowledge